The following is an entry in ClinVar:

ClinVar aggregate classification (germline): Uncertain significance (1 of 4 stars; one submission).

Conditions:
X-linked agammaglobulinemia with growth hormone deficiency (IGHD3). Also called: FLEISHER SYNDROME; HYPOGAMMAGLOBULINEMIA AND ISOLATED GROWTH HORMONE DEFICIENCY, X-LINKED; IGHD III; AGAMMAGLOBULINEMIA AND ISOLATED GROWTH HORMONE DEFICIENCY, X-LINKED; Isolated growth hormone deficiency type 3; Growth hormone deficiency with hypogammaglobulinemia. Identifiers: Orphanet 231692, Orphanet 631, MedGen C0472813, MONDO:0010615, OMIM 307200.

Submission:

Labcorp Genetics (formerly Invitae), Labcorp
Classification: Uncertain significance for X-linked agammaglobulinemia with growth hormone deficiency. Last evaluated: 2022-07-24. Review status: criteria provided, single submitter. Criteria: Invitae Variant Classification Sherloc (09022015). Collection method: clinical testing. Allele origin: germline.
Comment: In summary, the available evidence is currently insufficient to determine the role of this variant in disease. Therefore, it has been classified as a Variant of Uncertain Significance. Variants that disrupt the consensus splice site are a relatively common cause of aberrant splicing (PMID: 17576681, 9536098). Algorithms developed to predict the effect of sequence changes on RNA splicing suggest that this variant may disrupt the consensus splice site. This variant is also known as AGTA del. This variant has been observed in individuals with X-linked agammaglobulinemia (PMID: 15661032; Invitae). This variant is not present in population databases (gnomAD no frequency). This sequence change falls in intron 9 of the BTK gene. It does not directly change the encoded amino acid sequence of the BTK protein. It affects a nucleotide within the consensus splice site.

Literature cited by the submitters: PubMed 17576681; PubMed 9536098; PubMed 15661032.

NM_000061.3(BTK):c.839+4_839+7del

Gene: BTK (Bruton tyrosine kinase; minus strand). Cytogenetic location: Xq22.1.
Variant type: Microsatellite.
Coding change: c.839+4_839+7del on transcript NM_000061.3 (MANE Select); bases 4 to 7 of the intron after coding-DNA position 839, 4 bases deleted (AGTA; older notation c.839+4_839+7delAGTA).
Molecular consequence: splice donor variant.
Genome position (GRCh38, 1-based): chrX:101,360,081-101,360,084, TACT deleted on the plus strand (AGTA on the coding strand, the reverse complement: BTK is on the minus strand); deleting any 4 consecutive bases within chrX:101,360,081-101,360,088 gives the same sequence; the c. name uses the placement nearest the transcript's 3' end. VCF-style (leftmost placement, unchanged base first): chrX-101360080-ATACT-A. GRCh37 (hg19) VCF-style: chrX-100615068-ATACT-A.
Other names: c.941+4_941+7del (NM_001287344.2); c.839+4_839+7del (NM_001287345.2).
Identifiers: ClinVar variation 2138653 (VCV002138653.4), dbSNP rs2520585157, ClinGen allele CA2580612448.
Genomic context (GRCh38, chrX:101,360,080, plus strand): 5'-AAATATATATATATATAGAGAGAGAGAGTTCCTCCTGGAAGATTGTGGACTGACATAAAC[ATACT>A]TACTCATACATTTCTATGGAGTCTTCTGCTTCAGTGACATAGTTACTAGGAATGTAGCCT-3'